The following is an entry in ClinVar:

NM_018129.4(PNPO):c.412C>A (p.Arg138Ser)

Gene: PNPO (pyridoxamine 5'-phosphate oxidase; plus strand). Cytogenetic location: 17q21.32.
Variant type: single nucleotide variant.
Coding change: c.412C>A on transcript NM_018129.4 (MANE Select); coding-DNA position 412, C replaced by A.
Protein change: p.Arg138Ser; replaces arginine 138 with serine.
Molecular consequence: missense variant.
Genome position (GRCh38, 1-based): chr17:47,945,607, C>A. VCF-style: chr17-47945607-C-A. GRCh37 (hg19) VCF-style: chr17-46022973-C-A.
Other names: c.412C>A, p.Arg138Ser (NM_001436305.1); short protein forms R138S.
Identifiers: ClinVar variation 4536133 (VCV004536133.1).

ClinVar aggregate classification (germline): Uncertain significance (1 of 4 stars; one submission).

Submission:

Women's Health and Genetics/Laboratory Corporation of America, LabCorp
Classification: Uncertain significance. Last evaluated: 2025-09-18. Review status: criteria provided, single submitter. Criteria: LabCorp Variant Classification Summary - May 2015. Collection method: clinical testing. Allele origin: germline.
Comment: Variant summary: PNPO c.412C>A (p.Arg138Ser) results in a non-conservative amino acid change in the encoded protein sequence. Algorithms developed to predict the effect of missense changes on protein structure and function all suggest that this variant is likely to be disruptive. The variant was absent in 251480 control chromosomes. To our knowledge, no occurrence of c.412C>A in individuals affected with PNPO-related conditions and no experimental evidence demonstrating its impact on protein function have been reported. Different variants affecting the same codon have been classified as likely pathogenic/pathogenic by our lab or in ClinVar (c.413G>A, p.R138H; c.412C>T, p.R138C), supporting the critical relevance of codon 138 to PNPO protein function. No submitters have cited clinical-significance assessments for this variant to ClinVar. Based on the evidence outlined above, the variant was classified as VUS-possibly pathogenic.